The following is an entry in ClinVar:

NM_004999.4(MYO6):c.79G>A (p.Asp27Asn)

Gene: MYO6 (myosin VI; plus strand). Cytogenetic location: 6q14.1.
Variant type: single nucleotide variant.
Coding change: c.79G>A on transcript NM_004999.4 (MANE Select); coding-DNA position 79, G replaced by A.
Protein change: p.Asp27Asn; replaces aspartic acid 27 with asparagine.
Molecular consequence: missense variant. On other transcripts: non-coding transcript variant (2).
Genome position (GRCh38, 1-based): chr6:75,817,626, G>A. VCF-style: chr6-75817626-G-A. GRCh37 (hg19) VCF-style: chr6-76527343-G-A.
Other names: c.79G>A, p.Asp27Asn (NM_001300899.2, NM_001368136.1, NM_001368137.1 and 5 more transcripts); short protein forms D27N.
Identifiers: ClinVar variation 4977441 (VCV004977441.1).
Genomic context (GRCh38, chr6:75,817,626, plus strand): 5'-GTTTGGGCGCCACACCCTACAGATGGATTTCAGATGGGCAATATTGTGGATATTGGCCCC[G>A]ACAGCTTAACAATTGAACCCTTGAATCAGAAAGGCAAGGTGAGTTTCTCAGAAAGATGTT-3'
Protein context (NP_004990.3, residues 17-37): QMGNIVDIGP[Asp27Asn]SLTIEPLNQK

ClinVar aggregate classification (germline): Uncertain significance (1 of 4 stars; one submission).

Conditions:
MYO6-related disorder. Also called: MYO6-related condition; MYO6-related disorders.

gnomAD v4.1: 126 of 1,614,000 alleles (0.0078%); highest among the groups gnomAD compares: Non-Finnish European, 0.01%; no homozygotes.

Submission:

PreventionGenetics, part of Exact Sciences
Classification: Uncertain significance for MYO6-related condition. Last evaluated: 2025-12-31. Review status: criteria provided, single submitter. Criteria: ACMG Guidelines, 2015. Collection method: clinical testing. Allele origin: germline.
Comment: The MYO6 c.79G>A variant is predicted to result in the amino acid substitution p.Asp27Asn. To our knowledge, this variant has not been reported in the literature. This variant is reported in 0.0079% of alleles in individuals of European (Non-Finnish) descent in gnomAD. At this time, the clinical significance of this variant is uncertain due to the absence of conclusive functional and genetic evidence.